The following is an entry in ClinVar:

NM_001365631.1(CLASP2):c.1341A>T (p.Ile447=)

Gene: CLASP2 (cytoplasmic linker associated protein 2; minus strand). Cytogenetic location: 3p22.3.
Variant type: single nucleotide variant.
Coding change: c.1341A>T on transcript NM_001365631.1 (MANE Select); coding-DNA position 1341, A replaced by T.
Protein change: p.Ile447=; no amino-acid change (isoleucine 447 retained).
Molecular consequence: synonymous variant.
Genome position (GRCh38, 1-based): chr3:33,612,048, T>A on the plus strand (A>T on the coding strand, the complement: CLASP2 is on the minus strand). VCF-style: chr3-33612048-T-A. GRCh37 (hg19) VCF-style: chr3-33653540-T-A.
Other names: c.642A>T, p.Ile214= (NM_001207044.3, NM_001375715.1, NM_001375720.1 and 13 more transcripts); c.1341A>T, p.Ile447= (NM_001365627.1, NM_001365629.1, NM_001365630.1 and 7 more transcripts); c.1344A>T, p.Ile448= (NM_001365628.1, NM_001365633.1, NM_001375701.1 and 3 more transcripts); c.1044A>T, p.Ile348= (NM_001375713.1); c.663A>T, p.Ile221= (NM_001375716.1, NM_001400411.1, NM_001400413.1 and 3 more transcripts); c.660A>T, p.Ile220= (NM_001375718.1, NM_001400407.1, NM_001400412.1 and 5 more transcripts); c.645A>T, p.Ile215= (NM_001400415.1, NM_001400424.1, NM_001400431.1 and 2 more transcripts).
Identifiers: ClinVar variation 3050689 (VCV003050689.2), dbSNP rs142035502, ClinGen allele CA2302979.

ClinVar aggregate classification (germline): Likely benign (0 of 4 stars; one submission).

Conditions:
CLASP2-related disorder. Also called: CLASP2-related condition.

Allele frequency attached by ClinVar (database versions not stated): 1000 Genomes Project 30x 0.00062; ExAC 0.00066; gnomAD 0.00074; ESP Exome Variant Server 0.00076; TOPMed 0.00076; 1000 Genomes Project 0.00080; gnomAD exomes 0.00126.
gnomAD v4.1: 1,992 of 1,610,096 alleles (0.12%); highest among the groups gnomAD compares: Non-Finnish European, 0.15%; 2 homozygotes.

Submission:

PreventionGenetics, part of Exact Sciences
Classification: Likely benign for CLASP2-related condition. Last evaluated: 2019-07-23. Review status: no assertion criteria provided. Collection method: clinical testing. Allele origin: germline.
Comment: This variant is classified as likely benign based on ACMG/AMP sequence variant interpretation guidelines (Richards et al. 2015 PMID: 25741868, with internal and published modifications).